The following is an entry in ClinVar:

NM_000179.3(MSH6):c.2346C>T (p.Leu782=)

Gene: MSH6 (mutS homolog 6; plus strand). Cytogenetic location: 2p16.3.
Variant type: single nucleotide variant.
Coding change: c.2346C>T on transcript NM_000179.3 (MANE Select); coding-DNA position 2346, C replaced by T.
Protein change: p.Leu782=; no amino-acid change (leucine 782 retained).
Molecular consequence: synonymous variant. On other transcripts: non-coding transcript variant (5), intron variant (3).
Genome position (GRCh38, 1-based): chr2:47,800,329, C>T. VCF-style: chr2-47800329-C-T. GRCh37 (hg19) VCF-style: chr2-48027468-C-T.
Other names: c.1956C>T, p.Leu652= (NM_001281492.2); c.1440C>T, p.Leu480= (NM_001281493.2, NM_001281494.2, NM_001406811.1 and 6 more transcripts); c.2442C>T, p.Leu814= (NM_001406795.1, NM_001406802.1); c.2346C>T, p.Leu782= (NM_001406796.1, NM_001406798.1, NM_001406800.1 and 2 more transcripts); c.2049C>T, p.Leu683= (NM_001406797.1, NM_001406801.1, NM_001406805.1 and 10 more transcripts); c.1821C>T, p.Leu607= (NM_001406799.1, NM_001406806.1, NM_001406807.1); c.2268C>T, p.Leu756= (NM_001406804.1); c.2352C>T, p.Leu784= (NM_001406813.1); and 4 more.
Identifiers: ClinVar variation 2105925 (VCV002105925.5), dbSNP rs753238686, ClinGen allele CA068847.
Genomic context (GRCh38, chr2:47,800,329, plus strand): 5'-TGATACTTGCCATACTCCTTTTGGTAAGCGGCTCCTAAAGCAATGGCTTTGTGCCCCACT[C>T]TGTAACCATTATGCTATTAATGATCGTCTAGATGCCATAGAAGACCTCATGGTTGTGCCT-3'
Protein context (NP_000170.1, residues 772-792): RLLKQWLCAP[Leu782=]CNHYAINDRL

ClinVar aggregate classification (germline): Benign/Likely benign. Review status: criteria provided, multiple submitters, no conflicts (2 of 4 stars). 2 submissions from 2 submitters: Benign (1); Likely benign (1). Last evaluated 2025-07-08.

Conditions:
Hereditary nonpolyposis colorectal neoplasms. Identifiers: MedGen C0009405, MeSH D003123.
Lynch syndrome 5 (LYNCH5). Also called: Hereditary non-polyposis colorectal cancer, type 5; Colorectal cancer, hereditary nonpolyposis, type 5. Identifiers: Orphanet 144, MedGen C1833477, MONDO:0013710, OMIM 614350. Disease mechanism: loss of function.

Allele frequency attached by ClinVar (database versions not stated): ExAC 0.00001.

Submissions (2):

Labcorp Genetics (formerly Invitae), Labcorp
Classification: Likely benign for Hereditary nonpolyposis colorectal neoplasms. Last evaluated: 2025-07-08. Review status: criteria provided, single submitter. Criteria: Invitae Variant Classification Sherloc (09022015). Collection method: clinical testing. Allele origin: germline.

Myriad Genetics, Inc.
Classification: Benign for Lynch syndrome 5. Last evaluated: 2024-12-31. Review status: criteria provided, single submitter. Criteria: Myriad Autosomal Dominant, Autosomal Recessive and X-Linked Classification Criteria (2023). Collection method: clinical testing. Allele origin: unknown.
Comment: This variant is considered benign. This variant is a silent/synonymous amino acid change and it is not expected to impact splicing.